The following is an entry in ClinVar:

NM_003738.5(PTCH2):c.3088G>A (p.Val1030Ile)

Gene: PTCH2 (patched 2; minus strand). Cytogenetic location: 1p34.1.
Variant type: single nucleotide variant.
Coding change: c.3088G>A on transcript NM_003738.5 (MANE Select); coding-DNA position 3088, G replaced by A.
Protein change: p.Val1030Ile; replaces valine 1030 with isoleucine.
Molecular consequence: missense variant.
Genome position (GRCh38, 1-based): chr1:44,826,276, C>T on the plus strand (G>A on the coding strand, the complement: PTCH2 is on the minus strand). VCF-style: chr1-44826276-C-T. GRCh37 (hg19) VCF-style: chr1-45291948-C-T.
Other names: c.3088G>A, p.Val1030Ile (NM_001166292.2); short protein forms V1030I.
Identifiers: ClinVar variation 2061919 (VCV002061919.4), dbSNP rs199862624, ClinGen allele CA822810.

ClinVar aggregate classification (germline): Uncertain significance (1 of 4 stars; one submission).

Conditions:
Gorlin syndrome. Also called: Basal cell nevus syndrome; Nevoid Basal Cell Carcinoma Syndrome. Identifiers: Orphanet 377, MedGen C0004779, MONDO:0007187.

Allele frequency attached by ClinVar (database versions not stated): TOPMed 0.00001; gnomAD 0.00003; ESP Exome Variant Server 0.00008.
gnomAD v4.1: 54 of 1,614,018 alleles (0.0033%); highest among the groups gnomAD compares: East Asian, 0.0089%; no homozygotes.

Submission:

Labcorp Genetics (formerly Invitae), Labcorp
Classification: Uncertain significance for Gorlin syndrome. Last evaluated: 2024-09-12. Review status: criteria provided, single submitter. Criteria: Invitae Variant Classification Sherloc (09022015). Collection method: clinical testing. Allele origin: germline.
Comment: This sequence change replaces valine, which is neutral and non-polar, with isoleucine, which is neutral and non-polar, at codon 1030 of the PTCH2 protein (p.Val1030Ile). This variant is present in population databases (rs199862624, gnomAD 0.01%). This variant has not been reported in the literature in individuals affected with PTCH2-related conditions. ClinVar contains an entry for this variant (Variation ID: 2061919). Invitae Evidence Modeling of protein sequence and biophysical properties (such as structural, functional, and spatial information, amino acid conservation, physicochemical variation, residue mobility, and thermodynamic stability) indicates that this missense variant is not expected to disrupt PTCH2 protein function with a negative predictive value of 80%. In summary, the available evidence is currently insufficient to determine the role of this variant in disease. Therefore, it has been classified as a Variant of Uncertain Significance.